The following is an entry in ClinVar:

NM_001165963.4(SCN1A):c.685G>C (p.Val229Leu)

Gene: SCN1A (sodium voltage-gated channel alpha subunit 1; minus strand). Cytogenetic location: 2q24.3.
Variant type: single nucleotide variant.
Coding change: c.685G>C on transcript NM_001165963.4 (MANE Select); coding-DNA position 685, G replaced by C.
Protein change: p.Val229Leu; replaces valine 229 with leucine.
Molecular consequence: missense variant. On other transcripts: 5 prime UTR variant (1), non-coding transcript variant (1).
Genome position (GRCh38, 1-based): chr2:166,052,861, C>G on the plus strand (G>C on the coding strand, the complement: SCN1A is on the minus strand). VCF-style: chr2-166052861-C-G. GRCh37 (hg19) VCF-style: chr2-166909371-C-G.
Other names: c.685G>C, p.Val229Leu (NM_001165964.3, NM_001202435.3, NM_001353948.2 and 10 more transcripts); c.-1741G>C (NM_001353961.2); short protein forms V229L.
Identifiers: ClinVar variation 844965 (VCV000844965.10), dbSNP rs1698732758, ClinGen allele CA349074045.

ClinVar aggregate classification (germline): Uncertain significance (1 of 4 stars; one submission).

Conditions:
Early-infantile DEE. Also called: Ohtahara syndrome; Early infantile epileptic encephalopathy with suppression bursts; Early infantile epileptic encephalopathy. Identifiers: Orphanet 1934, MedGen C0393706, MONDO:0800491.

Submission:

Labcorp Genetics (formerly Invitae), Labcorp
Classification: Uncertain significance for Early-infantile DEE. Last evaluated: 2019-06-04. Review status: criteria provided, single submitter. Criteria: Invitae Variant Classification Sherloc (09022015). Collection method: clinical testing. Allele origin: germline.
Comment: This variant has not been reported in the literature in individuals with SCN1A-related conditions. In summary, the available evidence is currently insufficient to determine the role of this variant in disease. Therefore, it has been classified as a Variant of Uncertain Significance. Algorithms developed to predict the effect of missense changes on protein structure and function (SIFT, PolyPhen-2, Align-GVGD) all suggest that this variant is likely to be disruptive, but these predictions have not been confirmed by published functional studies and their clinical significance is uncertain. This variant is not present in population databases (ExAC no frequency). This sequence change replaces valine with leucine at codon 229 of the SCN1A protein (p.Val229Leu). The valine residue is highly conserved and there is a small physicochemical difference between valine and leucine.